The following is an entry in ClinVar:

NM_022098.4(XPNPEP3):c.*3003G>A

Gene: XPNPEP3 (X-prolyl aminopeptidase 3; plus strand). Cytogenetic location: 22q13.2.
Variant type: single nucleotide variant.
Coding change: c.*3003G>A on transcript NM_022098.4 (MANE Select); 3003 bases downstream of the stop codon, G replaced by A.
Molecular consequence: 3 prime UTR variant.
Genome position (GRCh38, 1-based): chr22:40,929,438, G>A. VCF-style: chr22-40929438-G-A. GRCh37 (hg19) VCF-style: chr22-41325442-G-A.
Identifiers: ClinVar variation 341726 (VCV000341726.5), dbSNP rs8142521, ClinGen allele CA10651347.

ClinVar aggregate classification (germline): Benign (1 of 4 stars; one submission).

Conditions:
Nephronophthisis-like nephropathy 1 (NPHPL1). Identifiers: Orphanet 655, MedGen C3150419, MONDO:0013163, OMIM 613159.

Allele frequency attached by ClinVar (database versions not stated): gnomAD 0.01676; 1000 Genomes Project 0.01917; TOPMed 0.01969; 1000 Genomes Project 30x 0.02139.

Submission:

Illumina Laboratory Services, Illumina
Classification: Benign for Nephronophthisis-like nephropathy 1. Last evaluated: 2018-01-12. Review status: criteria provided, single submitter. Criteria: ICSL Variant Classification Criteria 13 December 2019. Collection method: clinical testing. Allele origin: germline.
Comment: This variant was observed in the ICSL laboratory as part of a predisposition screen in an ostensibly healthy population. It had not been previously curated by ICSL or reported in the Human Gene Mutation Database (HGMD: prior to June 1st, 2018), and was therefore a candidate for classification through an automated scoring system. Utilizing variant allele frequency, disease prevalence and penetrance estimates, and inheritance mode, an automated score was calculated to assess if this variant is too frequent to cause the disease. Based on the score and internal cut-off values, a variant classified as benign is not then subjected to further curation. The score for this variant resulted in a classification of benign for this disease.